The following is an entry in ClinVar:

NM_005633.4(SOS1):c.2792-6T>G

Gene: SOS1 (SOS Ras/Rac guanine nucleotide exchange factor 1; minus strand). Cytogenetic location: 2p22.1.
Variant type: single nucleotide variant.
Coding change: c.2792-6T>G on transcript NM_005633.4 (MANE Select); 6 bases into the intron before coding-DNA position 2792, T replaced by G.
Molecular consequence: intron variant.
Genome position (GRCh38, 1-based): chr2:38,997,431, A>C on the plus strand (T>G on the coding strand, the complement: SOS1 is on the minus strand). VCF-style: chr2-38997431-A-C. GRCh37 (hg19) VCF-style: chr2-39224572-A-C.
Other names: c.2792-6T>G (NM_001382395.1); c.2771-6T>G (NM_001382394.1).
Identifiers: ClinVar variation 2086670 (VCV002086670.4), dbSNP rs2528926693, ClinGen allele CA2580066439.

ClinVar aggregate classification (germline): Uncertain significance (1 of 4 stars; one submission).

Conditions:
RASopathy. Also called: rasopathies; Noonan spectrum disorder. Identifiers: Orphanet 536391, MedGen C5555857, MONDO:0021060.

Submission:

Labcorp Genetics (formerly Invitae), Labcorp
Classification: Uncertain significance for RASopathy. Last evaluated: 2022-03-30. Review status: criteria provided, single submitter. Criteria: Invitae Variant Classification Sherloc (09022015). Collection method: clinical testing. Allele origin: germline.
Comment: In summary, the available evidence is currently insufficient to determine the role of this variant in disease. Therefore, it has been classified as a Variant of Uncertain Significance. Algorithms developed to predict the effect of sequence changes on RNA splicing suggest that this variant may disrupt the consensus splice site. This variant has not been reported in the literature in individuals affected with SOS1-related conditions. This variant is not present in population databases (gnomAD no frequency). This sequence change falls in intron 17 of the SOS1 gene. It does not directly change the encoded amino acid sequence of the SOS1 protein.